The following is an entry in ClinVar:

NM_018136.5(ASPM):c.6920A>G (p.Gln2307Arg)

Gene: ASPM (assembly factor for spindle microtubules; minus strand). Cytogenetic location: 1q31.3.
Variant type: single nucleotide variant.
Coding change: c.6920A>G on transcript NM_018136.5 (MANE Select); coding-DNA position 6920, A replaced by G.
Protein change: p.Gln2307Arg; replaces glutamine 2307 with arginine.
Molecular consequence: missense variant. On other transcripts: intron variant (1).
Genome position (GRCh38, 1-based): chr1:197,102,331, T>C on the plus strand (A>G on the coding strand, the complement: ASPM is on the minus strand). VCF-style: chr1-197102331-T-C. GRCh37 (hg19) VCF-style: chr1-197071461-T-C.
Other names: c.4066-6167A>G (NM_001206846.2); short protein forms Q2307R.
Identifiers: ClinVar variation 1392706 (VCV001392706.5), dbSNP rs775642269, ClinGen allele CA1309488.
Genomic context (GRCh38, chr1:197,102,331, plus strand): 5'-ATCATCCATCTTCTGTATGATGACTGGATTTTAATAACTGCATTTTGTACCTGAAGGAAC[T>C]GTAAGTGATGCTTTGTACAAAGATGTGCCCGATATTTTCTCTGAATCAAAATAGCAGTTT-3'
Protein context (NP_060606.3, residues 2297-2317): RAHLCTKHHL[Gln2307Arg]FLQVQNAVIK

ClinVar aggregate classification (germline): Uncertain significance (1 of 4 stars; one submission).

Allele frequency attached by ClinVar (database versions not stated): gnomAD exomes below 0.00001; ExAC 0.00001; gnomAD 0.00002; TOPMed 0.00002.
gnomAD v4.1: 9 of 1,612,582 alleles (0.00056%); highest among the groups gnomAD compares: Admixed American, 0.0033%; no homozygotes.

Submission:

Labcorp Genetics (formerly Invitae), Labcorp
Classification: Uncertain significance. Last evaluated: 2022-08-03. Review status: criteria provided, single submitter. Criteria: Invitae Variant Classification Sherloc (09022015). Collection method: clinical testing. Allele origin: germline.
Comment: This sequence change replaces glutamine, which is neutral and polar, with arginine, which is basic and polar, at codon 2307 of the ASPM protein (p.Gln2307Arg). This variant is not present in population databases (gnomAD no frequency). This variant has not been reported in the literature in individuals affected with ASPM-related conditions. ClinVar contains an entry for this variant (Variation ID: 1392706). Algorithms developed to predict the effect of missense changes on protein structure and function are either unavailable or do not agree on the potential impact of this missense change (SIFT: "Deleterious"; PolyPhen-2: "Benign"; Align-GVGD: "Class C0"). In summary, the available evidence is currently insufficient to determine the role of this variant in disease. Therefore, it has been classified as a Variant of Uncertain Significance.